The following is an entry in ClinVar:

NM_001848.3(COL6A1):c.2821C>T (p.Leu941Phe)

Gene: COL6A1 (collagen type VI alpha 1 chain; plus strand). Cytogenetic location: 21q22.3.
Variant type: single nucleotide variant.
Coding change: c.2821C>T on transcript NM_001848.3 (MANE Select); coding-DNA position 2821, C replaced by T.
Protein change: p.Leu941Phe; replaces leucine 941 with phenylalanine.
Molecular consequence: missense variant.
Genome position (GRCh38, 1-based): chr21:46,003,747, C>T. VCF-style: chr21-46003747-C-T. GRCh37 (hg19) VCF-style: chr21-47423661-C-T.
Other names: short protein forms L941F.
Identifiers: ClinVar variation 196948 (VCV000196948.28), dbSNP rs147882179, ClinGen allele CA244776.
Genomic context (GRCh38, chr21:46,003,747, plus strand): 5'-GGCTATGTGACCCGCTTCTACCGCGAGGCCTCGTCCGGCGCTGCCAAGAAGAGGCTGCTG[C>T]TCTTCTCAGATGGCAACTCGCAGGGCGCCACGCCCGCTGCCATCGAGAAGGCCGTGCAGG-3'
Protein context (NP_001839.2, residues 931-951): SSGAAKKRLL[Leu941Phe]FSDGNSQGAT

ClinVar aggregate classification (germline): Conflicting classifications of pathogenicity. Review status: criteria provided, conflicting classifications (1 of 4 stars). 8 submissions from 8 submitters: Uncertain significance (6); Likely benign (2). Last evaluated 2026-03-10.

Conditions:
Inborn genetic diseases. Identifiers: MedGen C0950123, MeSH D030342.
Ullrich congenital muscular dystrophy 1A. Also called: Ullrich congenital muscular dystrophy 1; Intermediate COL6-RD. Identifiers: Orphanet 75840, MedGen C0410179, MONDO:0009681, OMIM 254090.
Collagen 6-related myopathy. Identifiers: MedGen CN117976, MONDO:0100225.
Bethlem myopathy 1A. Also called: MYOPATHY, BENIGN CONGENITAL, WITH CONTRACTURES; Bethlem myopathy 1; Bethlem Muscular Dystrophy. Identifiers: Orphanet 610, MedGen CN029274, MONDO:0024530, OMIM 158810.

Allele frequency attached by ClinVar (database versions not stated): TOPMed 0.00012; ESP Exome Variant Server 0.00038.
gnomAD v4.1: 332 of 1,612,782 alleles (0.021%); highest among the groups gnomAD compares: Middle Eastern, 0.033%; no homozygotes.

Submissions (8):

Department of Pediatrics, Alia Governmental Hospital
Classification: Uncertain significance for Ullrich congenital muscular dystrophy 1A. Last evaluated: 2026-03-10. Review status: criteria provided, single submitter. Criteria: ACMG Guidelines, 2015. Collection method: research. Allele origin: germline. Inheritance: Autosomal recessive inheritance. Affected: yes. Observed: 1 variant allele, 1 homozygote.
Comment: A homozygous missense variant in COL6A1 (NM_001848.3:c.2821C>T; p.Leu941Phe) was identified by whole exome sequencing. The variant results in substitution of leucine by phenylalanine at codon 941. This variant is present in dbSNP (rs147882179) with a very low allele frequency in population databases. Based on currently available evidence and ACMG guidelines, the variant is classified as a Variant of Uncertain Significance (VUS). COL6A1 is associated with Ullrich congenital muscular dystrophy type 1, an autosomal recessive disorder.

Labcorp Genetics (formerly Invitae), Labcorp
Classification: Likely benign for Bethlem myopathy 1A. Last evaluated: 2025-10-14. Review status: criteria provided, single submitter. Criteria: Invitae Variant Classification Sherloc (09022015). Collection method: clinical testing. Allele origin: germline.

Revvity Omics, Revvity
Classification: Uncertain significance. Last evaluated: 2025-07-08. Review status: criteria provided, single submitter. Criteria: ACMG Guidelines, 2015. Collection method: clinical testing. Allele origin: germline.

GeneDx
Classification: Uncertain significance. Last evaluated: 2022-09-09. Review status: criteria provided, single submitter. Criteria: GeneDx Variant Classification Process June 2021. Collection method: clinical testing. Allele origin: germline. Affected: yes.
Comment: In silico analysis, which includes protein predictors and evolutionary conservation, supports that this variant does not alter protein structure/function; Has not been previously published as pathogenic or benign to our knowledge

Ambry Genetics
Classification: Uncertain significance for Inborn genetic diseases. Last evaluated: 2021-08-12. Review status: criteria provided, single submitter. Criteria: Ambry Variant Classification Scheme 2023. Collection method: clinical testing. Allele origin: germline.

Mayo Clinic Laboratories, Mayo Clinic
Classification: Uncertain significance. Last evaluated: 2020-08-14. Review status: criteria provided, single submitter. Criteria: ACMG Guidelines, 2015. Collection method: clinical testing. Allele origin: germline. Observed: 1 variant allele.

Illumina Laboratory Services, Illumina
Classification: Likely benign for Collagen VI-related myopathy. Last evaluated: 2018-01-12. Review status: criteria provided, single submitter. Criteria: ICSL Variant Classification Criteria 13 December 2019. Collection method: clinical testing. Allele origin: germline.
Comment: This variant was observed in the ICSL laboratory as part of a predisposition screen in an ostensibly healthy population. It had not been previously curated by ICSL or reported in the Human Gene Mutation Database (HGMD: prior to June 1st, 2018), and was therefore a candidate for classification through an automated scoring system. Utilizing variant allele frequency, disease prevalence and penetrance estimates, and inheritance mode, an automated score was calculated to assess if this variant is too frequent to cause the disease. Based on the score and internal cut-off values, a variant classified as likely benign is not then subjected to further curation. The score for this variant resulted in a classification of likely benign for this disease.

Eurofins Ntd Llc (ga)
Classification: Uncertain significance. Last evaluated: 2017-05-04. Review status: criteria provided, single submitter. Criteria: EGL Classification Definitions 2015. Collection method: clinical testing. Allele origin: germline. Observed: 3 variant alleles, 3 heterozygotes.